The following is an entry in ClinVar:

NM_001009944.3(PKD1):c.7742C>T (p.Ala2581Val)

Gene: PKD1 (polycystin 1, transient receptor potential channel interacting; minus strand). Cytogenetic location: 16p13.3.
Variant type: single nucleotide variant.
Coding change: c.7742C>T on transcript NM_001009944.3 (MANE Select); coding-DNA position 7742, C replaced by T.
Protein change: p.Ala2581Val; replaces alanine 2581 with valine.
Molecular consequence: missense variant.
Genome position (GRCh38, 1-based): chr16:2,105,986, G>A on the plus strand (C>T on the coding strand, the complement: PKD1 is on the minus strand). VCF-style: chr16-2105986-G-A. GRCh37 (hg19) VCF-style: chr16-2155987-G-A.
Other names: p.Ala2581Val; c.7742C>T, p.Ala2581Val (NM_000296.4); c.7742C>T (NM_000296.3); short protein forms A2581V.
Identifiers: ClinVar variation 3042776 (VCV003042776.5), dbSNP rs150516444, ClinGen allele CA7830930.
Genomic context (GRCh38, chr16:2,105,986, plus strand): 5'-CGCAGCAGCCCTGGGAGCACACTAGCGGTGAGCCCGTGCAGCCAGACTGTGAGCCCCGTT[G>A]CGCTGCCGTTGGGCTCTGGGAGGGTGATGGCCAAAGACCTACGAGCAGAGGGGGGTGGTG-3'
Protein context (NP_001009944.3, residues 2571-2591): AITLPEPNGS[Ala2581Val]TGLTVWLHGL

ClinVar aggregate classification (germline): Likely benign. Review status: criteria provided, multiple submitters, no conflicts (2 of 4 stars). 4 submissions from 4 submitters: Likely benign (3). 1 of the submissions does not count toward it. Last evaluated 2025-09-30.

Conditions:
PKD1-related disorder. Also called: PKD1-related condition.
Inborn genetic diseases. Identifiers: MedGen C0950123, MeSH D030342.

Allele frequency attached by ClinVar (database versions not stated): ESP Exome Variant Server 0.00013; TOPMed 0.00047; 1000 Genomes Project 30x 0.00062; 1000 Genomes Project 0.00080.
gnomAD v4.1: 107 of 1,603,336 alleles (0.0067%); highest among the groups gnomAD compares: African/African-American, 0.12%; 1 homozygote.

Submissions (4):

Mayo Clinic Laboratories, Mayo Clinic
Classification: Likely benign. Last evaluated: 2025-09-30. Review status: criteria provided, single submitter. Criteria: ACMG Guidelines, 2015. Collection method: clinical testing. Allele origin: germline. Observed: 2 variant alleles.
Comment: BS1, BP4_moderate

Ambry Genetics
Classification: Likely benign for Inborn genetic diseases. Last evaluated: 2025-03-31. Review status: criteria provided, single submitter. Criteria: Ambry Variant Classification Scheme 2023. Collection method: clinical testing. Allele origin: germline.

Blueprint Genetics
Classification: Likely benign. Last evaluated: 2024-08-06. Review status: criteria provided, single submitter. Criteria: ACMG Guidelines, 2015. Collection method: clinical testing. Allele origin: germline.

PreventionGenetics, part of Exact Sciences
Classification: Likely benign for PKD1-related condition. Last evaluated: 2020-07-28. Review status: no assertion criteria provided. Collection method: clinical testing. Allele origin: germline. Not counted in ClinVar's aggregate classification.
Comment: This variant is classified as likely benign based on ACMG/AMP sequence variant interpretation guidelines (Richards et al. 2015 PMID: 25741868, with internal and published modifications).